The following is an entry in ClinVar:

ClinVar aggregate classification (germline): Likely benign. Review status: criteria provided, multiple submitters, no conflicts (2 of 4 stars). 4 submissions from 4 submitters: Likely benign (4). Last evaluated 2026-01-01.

Conditions:
Long QT syndrome (LQTS). Identifiers: MedGen C0023976, MeSH D008133, MONDO:0002442. Disease mechanism: loss of function. Inheritance: Various modes of inheritance.
Cardiovascular phenotype. Identifiers: MedGen CN230736.
Cardiac arrhythmia. Also called: Cardiac rhythm disease; Arrhythmia. Identifiers: MedGen C0003811, MONDO:0007263, HP:0011675.

gnomAD v4.1: 4 of 1,614,242 alleles (0.00025%); highest among the groups gnomAD compares: Non-Finnish European, 0.00034%; no homozygotes.

Submissions (4):

CeGaT Center for Human Genetics Tuebingen
Classification: Likely benign. Last evaluated: 2026-01-01. Review status: criteria provided, single submitter. Criteria: CeGaT Center For Human Genetics Tuebingen Variant Classification Criteria Version 2. Collection method: clinical testing. Allele origin: germline. Affected: yes. Observed: 1 variant allele.
Comment: KCNH2: BP4, BP7

Labcorp Genetics (formerly Invitae), Labcorp
Classification: Likely benign for Long QT syndrome. Last evaluated: 2025-10-13. Review status: criteria provided, single submitter. Criteria: Invitae Variant Classification Sherloc (09022015). Collection method: clinical testing. Allele origin: germline.

Color Diagnostics, LLC DBA Color Health
Classification: Likely benign for Cardiac arrhythmia. Last evaluated: 2025-08-04. Review status: criteria provided, single submitter. Criteria: ACMG Guidelines, 2015. Collection method: clinical testing. Allele origin: germline.

Ambry Genetics
Classification: Likely benign for Cardiovascular phenotype. Last evaluated: 2021-02-04. Review status: criteria provided, single submitter. Criteria: Ambry Variant Classification Scheme 2023. Collection method: clinical testing. Allele origin: germline.

NM_000238.4(KCNH2):c.1824G>A (p.Lys608=)

Gene: KCNH2 (potassium voltage-gated channel subfamily H member 2; minus strand). Cytogenetic location: 7q36.1.
Variant type: single nucleotide variant.
Coding change: c.1824G>A on transcript NM_000238.4 (MANE Select); coding-DNA position 1824, G replaced by A.
Protein change: p.Lys608=; no amino-acid change (lysine 608 retained).
Molecular consequence: synonymous variant. On other transcripts: non-coding transcript variant (2).
Genome position (GRCh38, 1-based): chr7:150,951,569, C>T on the plus strand (G>A on the coding strand, the complement: KCNH2 is on the minus strand). VCF-style: chr7-150951569-C-T. GRCh37 (hg19) VCF-style: chr7-150648657-C-T.
Other names: c.804G>A, p.Lys268= (NM_001204798.2, NM_172057.3); c.1536G>A, p.Lys512= (NM_001406753.1, NM_001406756.1); c.1647G>A, p.Lys549= (NM_001406755.1); c.1524G>A, p.Lys508= (NM_001406757.1); c.1824G>A, p.Lys608= (NM_172056.3).
Identifiers: ClinVar variation 1052578 (VCV001052578.17), dbSNP rs1413887234, ClinGen allele CA458871508.